The following is an entry in ClinVar:

ClinVar aggregate classification (germline): Likely benign (0 of 4 stars; one submission).

Conditions:
OPLAH-related disorder. Also called: OPLAH-related condition.

Allele frequency attached by ClinVar (database versions not stated): gnomAD exomes below 0.00001.
gnomAD v4.1: 1 of 1,609,944 alleles (0.000062%); highest among the groups gnomAD compares: Non-Finnish European, 0.000085%; no homozygotes.

Submission:

PreventionGenetics, part of Exact Sciences
Classification: Likely benign for OPLAH-related condition. Last evaluated: 2020-11-10. Review status: no assertion criteria provided. Collection method: clinical testing. Allele origin: germline.
Comment: This variant is classified as likely benign based on ACMG/AMP sequence variant interpretation guidelines (Richards et al. 2015 PMID: 25741868, with internal and published modifications).

NM_017570.5(OPLAH):c.1535+10G>A

Gene: OPLAH (5-oxoprolinase, ATP-hydrolysing; minus strand). Cytogenetic location: 8q24.3.
Variant type: single nucleotide variant.
Coding change: c.1535+10G>A on transcript NM_017570.5 (MANE Select); 10 bases into the intron after coding-DNA position 1535, G replaced by A.
Molecular consequence: intron variant.
Genome position (GRCh38, 1-based): chr8:144,057,198, C>T on the plus strand (G>A on the coding strand, the complement: OPLAH is on the minus strand). VCF-style: chr8-144057198-C-T. GRCh37 (hg19) VCF-style: chr8-145112101-C-T.
Identifiers: ClinVar variation 3031247 (VCV003031247.2), dbSNP rs2540264121, ClinGen allele CA2689027574.